The following is an entry in ClinVar:

NM_015474.4(SAMHD1):c.1512_1513del (p.Met505fs)

Gene: SAMHD1 (SAM and HD domain containing deoxynucleoside triphosphate triphosphohydrolase 1; minus strand). Cytogenetic location: 20q11.23.
Variant type: Deletion.
Coding change: c.1512_1513del on transcript NM_015474.4 (MANE Select); coding-DNA positions 1512 to 1513, 2 bases deleted (CA; older notation c.1512_1513delCA).
Protein change: p.Met505fs; shifts the reading frame from methionine 505.
Molecular consequence: frameshift variant. On other transcripts: intron variant (1).
Genome position (GRCh38, 1-based): chr20:36,898,535-36,898,536, TG deleted on the plus strand (CA on the coding strand, the reverse complement: SAMHD1 is on the minus strand); deleting any 2 consecutive bases within chr20:36,898,535-36,898,537 gives the same sequence; the c. name uses the placement nearest the transcript's 3' end. VCF-style (leftmost placement, unchanged base first): chr20-36898534-ATG-A. GRCh37 (hg19) VCF-style: chr20-35526937-ATG-A.
Other names: c.1512_1513delCA (NM_015474.3); c.1512_1513del, p.Met505fs (NM_001363733.2); c.1504-577_1504-576del (NM_001363729.2); short protein forms M505fs.
Identifiers: ClinVar variation 2099291 (VCV002099291.5), dbSNP rs2515219215, ClinGen allele CA2580098137.

ClinVar aggregate classification (germline): Pathogenic/Likely pathogenic. Review status: criteria provided, multiple submitters, no conflicts (2 of 4 stars). 2 submissions from 2 submitters: Pathogenic (1); Likely pathogenic (1). Last evaluated 2025-06-04.

Conditions:
Aicardi Goutieres syndrome (AGS). Also called: Encephalopathy, familial infantile, with calcification of basal ganglia and chronic cerebrospinal fluid lymphocytosis. Identifiers: Orphanet 51, MedGen C0393591, MONDO:0018866.
Aicardi-Goutieres syndrome 5. Identifiers: Orphanet 51, MedGen C2749659, MONDO:0013059, OMIM 612952.

Submissions (2):

Natera, Inc.
Classification: Likely pathogenic for Aicardi-Goutieres syndrome. Last evaluated: 2025-06-04. Review status: criteria provided, single submitter. Criteria: Natera Variant Classification Schema (03/2026). Collection method: clinical testing. Allele origin: germline.
Comment: The c.1512_1513delCA variant in SAMHD1 is a frameshift variant predicted to shift the reading frame beginning at codon 505 and leads to a stop codon 11 codons downstream. This variant is expected to result in nonsense mediated decay, truncation, or a dysfunctional protein product. This variant is rare in the general population with a frequency below the threshold expected for the associated phenotype(s). Given the available evidence, this variant is classified as Likely Pathogenic.

Labcorp Genetics (formerly Invitae), Labcorp
Classification: Pathogenic for Aicardi-Goutieres syndrome 5. Last evaluated: 2022-04-05. Review status: criteria provided, single submitter. Criteria: Invitae Variant Classification Sherloc (09022015). Collection method: clinical testing. Allele origin: germline.
Comment: For these reasons, this variant has been classified as Pathogenic. This variant has not been reported in the literature in individuals affected with SAMHD1-related conditions. This variant is not present in population databases (gnomAD no frequency). This sequence change creates a premature translational stop signal (p.Met505Glyfs*11) in the SAMHD1 gene. It is expected to result in an absent or disrupted protein product. Loss-of-function variants in SAMHD1 are known to be pathogenic (PMID: 19525956, 22461318).

Literature cited by the submitters: PubMed 19525956 (cited by Labcorp Genetics (formerly Invitae), Labcorp); PubMed 22461318 (cited by Labcorp Genetics (formerly Invitae), Labcorp).